The following is an entry in ClinVar:

NM_001164508.2(NEB):c.3181A>T (p.Lys1061Ter)

Gene: NEB (nebulin; minus strand). Cytogenetic location: 2q23.3.
Variant type: single nucleotide variant.
Coding change: c.3181A>T on transcript NM_001164508.2 (MANE Select); coding-DNA position 3181, A replaced by T.
Protein change: p.Lys1061Ter; replaces lysine 1061 with a stop codon.
Molecular consequence: nonsense.
Genome position (GRCh38, 1-based): chr2:151,679,795, T>A on the plus strand (A>T on the coding strand, the complement: NEB is on the minus strand). VCF-style: chr2-151679795-T-A. GRCh37 (hg19) VCF-style: chr2-152536309-T-A.
Other names: c.3181A>T, p.Lys1061Ter (NM_001164507.2, NM_001271208.2, NM_004543.5); short protein forms K1061*.
Identifiers: ClinVar variation 1724269 (VCV001724269.2), dbSNP rs2552263446, ClinGen allele CA348820255.

ClinVar aggregate classification (germline): Likely pathogenic (1 of 4 stars; one submission).

Conditions:
Nemaline myopathy 2 (NEM2). Also called: Nemaline myopathy 2, autosomal recessive. Identifiers: MedGen C1850569, MONDO:0009725, OMIM 256030.

Submission:

Myriad Genetics, Inc.
Classification: Likely pathogenic for Nemaline myopathy 2. Last evaluated: 2022-02-02. Review status: criteria provided, single submitter. Criteria: Myriad Women's Health Autosomal Recessive and X-Linked Classification Criteria (2021). Collection method: clinical testing. Allele origin: unknown.
Comment: NM_001271208.1(NEB):c.3181A>T(K1061*) is expected to be pathogenic in the context of NEB-related nemaline myopathy. This variant is predicted to lead to an abnormal or absent protein product due to the creation of a premature termination codon in NEB, a gene where loss-of-function variants are known to be pathogenic. Please note: this variant was assessed in the context of healthy population screening.